The following is an entry in ClinVar:

NM_194293.4(XIRP1):c.4810G>A (p.Gly1604Arg)

Gene: XIRP1 (xin actin binding repeat containing 1; minus strand). Cytogenetic location: 3p22.2.
Variant type: single nucleotide variant.
Coding change: c.4810G>A on transcript NM_194293.4 (MANE Select); coding-DNA position 4810, G replaced by A.
Protein change: p.Gly1604Arg; replaces glycine 1604 with arginine.
Molecular consequence: missense variant. On other transcripts: 3 prime UTR variant (1).
Genome position (GRCh38, 1-based): chr3:39,184,636, C>T on the plus strand (G>A on the coding strand, the complement: XIRP1 is on the minus strand). VCF-style: chr3-39184636-C-T. GRCh37 (hg19) VCF-style: chr3-39226127-C-T.
Other names: c.*1017G>A (NM_001198621.4); c.859G>A, p.Gly287Arg (NM_001351377.2); short protein forms G1604R, G287R.
Identifiers: ClinVar variation 3056911 (VCV003056911.2), dbSNP rs3732383, ClinGen allele CA2325786.
Genomic context (GRCh38, chr3:39,184,636, plus strand): 5'-GACTCTGGGCCTCAGTGTGGCATTCAACCTTGGCTTGGTTCTTGACTGCAGTTTGACCTC[C>T]GACCTCCTGGCCTGAGCCACTGGGCCTGGCGCTACTGCTGACTGTGACACTGATCTTGTG-3'
Protein context (NP_919269.2, residues 1594-1614): ARPSGSGQEV[Gly1604Arg]GQTAVKNQAK

ClinVar aggregate classification (germline): Benign (0 of 4 stars; one submission).

Conditions:
XIRP1-related disorder. Also called: XIRP1-related condition.

Allele frequency attached by ClinVar (database versions not stated): 1000 Genomes Project 30x 0.12820; 1000 Genomes Project 0.13079; TOPMed 0.15006; gnomAD 0.16337; ESP Exome Variant Server 0.16446; ExAC 0.19750; gnomAD exomes 0.21615.
gnomAD v4.1: 339,164 of 1,613,866 alleles (21%); highest among the groups gnomAD compares: Non-Finnish European, 23%; 37,580 homozygotes.

Submission:

PreventionGenetics, part of Exact Sciences
Classification: Benign for XIRP1-related condition. Last evaluated: 2019-10-31. Review status: no assertion criteria provided. Collection method: clinical testing. Allele origin: germline.
Comment: This variant is classified as benign based on ACMG/AMP sequence variant interpretation guidelines (Richards et al. 2015 PMID: 25741868, with internal and published modifications).